The following is an entry in ClinVar:

NM_002180.3(IGHMBP2):c.1564A>G (p.Ile522Val)

Genes: IGHMBP2 (immunoglobulin mu DNA binding protein 2; plus strand), LOC126861245 (CDK7 strongly-dependent group 2 enhancer GRCh37_chr11:68701479-68702678; plus strand). Cytogenetic location: 11q13.3.
Variant type: single nucleotide variant.
Coding change: c.1564A>G on transcript NM_002180.3 (MANE Select); coding-DNA position 1564, A replaced by G.
Protein change: p.Ile522Val; replaces isoleucine 522 with valine.
Molecular consequence: missense variant.
Genome position (GRCh38, 1-based): chr11:68,934,490, A>G. VCF-style: chr11-68934490-A-G. GRCh37 (hg19) VCF-style: chr11-68701958-A-G.
Other names: short protein forms I522V.
Identifiers: ClinVar variation 1357165 (VCV001357165.8), dbSNP rs1859447330, ClinGen allele CA381650800.

ClinVar aggregate classification (germline): Uncertain significance (1 of 4 stars; one submission).

Conditions:
Autosomal recessive distal spinal muscular atrophy 1. Also called: NEURONOPATHY, SEVERE INFANTILE AXONAL, WITH RESPIRATORY FAILURE; NEURONOPATHY, DISTAL HEREDITARY MOTOR, HARDING TYPE VI; NEUROPATHY, DISTAL HEREDITARY MOTOR, AUTOSOMAL RECESSIVE 1; SEVERE INFANTILE AXONAL NEUROPATHY WITH RESPIRATORY FAILURE; SPINAL MUSCULAR ATROPHY, DIAPHRAGMATIC; Spinal muscular atrophy with respiratory distress 1. Identifiers: Orphanet 98920, MedGen C1858517, MONDO:0011436, OMIM 604320.
Charcot-Marie-Tooth disease axonal type 2S. Also called: CHARCOT-MARIE-TOOTH NEUROPATHY, TYPE 2S; CHARCOT-MARIE-TOOTH DISEASE, AXONAL, AUTOSOMAL RECESSIVE, TYPE 2S. Identifiers: Orphanet 443073, MedGen C4015349, MONDO:0014511, OMIM 616155.

Submission:

Labcorp Genetics (formerly Invitae), Labcorp
Classification: Uncertain significance for Autosomal recessive distal spinal muscular atrophy 1; Charcot-Marie-Tooth disease axonal type 2S. Last evaluated: 2021-04-23. Review status: criteria provided, single submitter. Criteria: Invitae Variant Classification Sherloc (09022015). Collection method: clinical testing. Allele origin: germline.
Comment: Advanced modeling of protein sequence and biophysical properties (such as structural, functional, and spatial information, amino acid conservation, physicochemical variation, residue mobility, and thermodynamic stability) performed at Invitae indicates that this missense variant is not expected to disrupt IGHMBP2 protein function. This variant has not been reported in the literature in individuals with IGHMBP2-related conditions. This variant is not present in population databases (ExAC no frequency). This sequence change replaces isoleucine with valine at codon 522 of the IGHMBP2 protein (p.Ile522Val). The isoleucine residue is moderately conserved and there is a small physicochemical difference between isoleucine and valine. In summary, the available evidence is currently insufficient to determine the role of this variant in disease. Therefore, it has been classified as a Variant of Uncertain Significance.